The following is an entry in ClinVar:

NM_020433.5(JPH2):c.1724C>T (p.Pro575Leu)

Gene: JPH2 (junctophilin 2; minus strand). Cytogenetic location: 20q13.12.
Variant type: single nucleotide variant.
Coding change: c.1724C>T on transcript NM_020433.5 (MANE Select); coding-DNA position 1724, C replaced by T.
Protein change: p.Pro575Leu; replaces proline 575 with leucine.
Molecular consequence: missense variant.
Genome position (GRCh38, 1-based): chr20:44,115,951, G>A on the plus strand (C>T on the coding strand, the complement: JPH2 is on the minus strand). VCF-style: chr20-44115951-G-A. GRCh37 (hg19) VCF-style: chr20-42744591-G-A.
Other names: short protein forms P575L.
Identifiers: ClinVar variation 452998 (VCV000452998.10), dbSNP rs1310645221, ClinGen allele CA409100052.

ClinVar aggregate classification (germline): Uncertain significance. Review status: criteria provided, multiple submitters, no conflicts (2 of 4 stars). 3 submissions from 3 submitters: Uncertain significance (3). Last evaluated 2023-06-29.

Conditions:
Hypertrophic cardiomyopathy. Also called: HYPERTROPHIC MYOCARDIOPATHY. Identifiers: Orphanet 217569, MedGen C0007194, MeSH D002312, MONDO:0005045, HP:0001639.
Cardiovascular phenotype. Identifiers: MedGen CN230736.

Allele frequency attached by ClinVar (database versions not stated): gnomAD exomes below 0.00001.
gnomAD v4.1: 4 of 1,569,698 alleles (0.00025%); highest among the groups gnomAD compares: South Asian, 0.0023%; no homozygotes.

Submissions (3):

Ambry Genetics
Classification: Uncertain significance for Cardiovascular phenotype. Last evaluated: 2023-06-29. Review status: criteria provided, single submitter. Criteria: Ambry Variant Classification Scheme 2023. Collection method: clinical testing. Allele origin: germline.
Comment: The p.P575L variant (also known as c.1724C>T), located in coding exon 4 of the JPH2 gene, results from a C to T substitution at nucleotide position 1724. The proline at codon 575 is replaced by leucine, an amino acid with similar properties. This amino acid position is highly conserved in available vertebrate species. In addition, this alteration is predicted to be tolerated by in silico analysis. Since supporting evidence is limited at this time, the clinical significance of this alteration remains unclear.

Labcorp Genetics (formerly Invitae), Labcorp
Classification: Uncertain significance for Hypertrophic cardiomyopathy. Last evaluated: 2023-03-30. Review status: criteria provided, single submitter. Criteria: Invitae Variant Classification Sherloc (09022015). Collection method: clinical testing. Allele origin: germline.
Comment: This sequence change replaces proline, which is neutral and non-polar, with leucine, which is neutral and non-polar, at codon 575 of the JPH2 protein (p.Pro575Leu). This variant is not present in population databases (gnomAD no frequency). This variant has not been reported in the literature in individuals affected with JPH2-related conditions. ClinVar contains an entry for this variant (Variation ID: 452998). An algorithm developed to predict the effect of missense changes on protein structure and function (PolyPhen-2) suggests that this variant is likely to be tolerated. In summary, the available evidence is currently insufficient to determine the role of this variant in disease. Therefore, it has been classified as a Variant of Uncertain Significance.

GeneDx
Classification: Uncertain significance. Last evaluated: 2021-11-19. Review status: criteria provided, single submitter. Criteria: GeneDx Variant Classification Process June 2021. Collection method: clinical testing. Allele origin: germline. Affected: yes.
Comment: In silico analysis supports that this missense variant does not alter protein structure/function; Has not been previously published as pathogenic or benign to our knowledge